The following is an entry in ClinVar:

NM_015662.3(IFT172):c.1172C>T (p.Ala391Val)

Gene: IFT172 (intraflagellar transport 172; minus strand). Cytogenetic location: 2p23.3.
Variant type: single nucleotide variant.
Coding change: c.1172C>T on transcript NM_015662.3 (MANE Select); coding-DNA position 1172, C replaced by T.
Protein change: p.Ala391Val; replaces alanine 391 with valine.
Molecular consequence: missense variant.
Genome position (GRCh38, 1-based): chr2:27,477,608, G>A on the plus strand (C>T on the coding strand, the complement: IFT172 is on the minus strand). VCF-style: chr2-27477608-G-A. GRCh37 (hg19) VCF-style: chr2-27700475-G-A.
Other names: short protein forms A391V.
Identifiers: ClinVar variation 1035348 (VCV001035348.6), dbSNP rs781225823, ClinGen allele CA1580739.

ClinVar aggregate classification (germline): Uncertain significance (1 of 4 stars; one submission).

Conditions:
Short-rib thoracic dysplasia 10 with or without polydactyly (SRTD10). Identifiers: Orphanet 474, MedGen C3810175, MONDO:0014284, OMIM 615630.
Retinitis pigmentosa 71 (RP71). Identifiers: Orphanet 791, MedGen C4225342, MONDO:0014618, OMIM 616394.

Allele frequency attached by ClinVar (database versions not stated): gnomAD 0.00001; gnomAD exomes 0.00001; TOPMed 0.00001; ExAC 0.00002.
gnomAD v4.1: 7 of 1,605,770 alleles (0.00044%); highest among the groups gnomAD compares: Non-Finnish European, 0.0006%; no homozygotes.

Submission:

Labcorp Genetics (formerly Invitae), Labcorp
Classification: Uncertain significance for Retinitis pigmentosa 71; Short-rib thoracic dysplasia 10 with or without polydactyly. Last evaluated: 2021-12-04. Review status: criteria provided, single submitter. Criteria: Invitae Variant Classification Sherloc (09022015). Collection method: clinical testing. Allele origin: germline.
Comment: This sequence change replaces alanine, which is neutral and non-polar, with valine, which is neutral and non-polar, at codon 391 of the IFT172 protein (p.Ala391Val). In summary, the available evidence is currently insufficient to determine the role of this variant in disease. Therefore, it has been classified as a Variant of Uncertain Significance. Algorithms developed to predict the effect of missense changes on protein structure and function (SIFT, PolyPhen-2, Align-GVGD) all suggest that this variant is likely to be tolerated. ClinVar contains an entry for this variant (Variation ID: 1035348). This variant has not been reported in the literature in individuals affected with IFT172-related conditions. This variant is present in population databases (rs781225823, gnomAD 0.002%).